The following is an entry in ClinVar:

ClinVar aggregate classification (germline): Uncertain significance (1 of 4 stars; one submission).

Conditions:
Ehlers-Danlos syndrome, classic type, 1 (EDSCL1). Also called: EHLERS-DANLOS SYNDROME, GRAVIS TYPE; EHLERS-DANLOS SYNDROME, SEVERE CLASSIC TYPE; Ehlers-Danlos syndrome, type 1; Ehlers-Danlos Syndrome, Classic Type, COL5A1-Related; EDS I. Identifiers: MedGen C0268335, MONDO:0019567, OMIM 130000.

gnomAD v4.1: 4 of 1,614,122 alleles (0.00025%); highest among the groups gnomAD compares: Non-Finnish European, 0.00034%; no homozygotes.

Submission:

Labcorp Genetics (formerly Invitae), Labcorp
Classification: Uncertain significance for Ehlers-Danlos syndrome, classic type, 1. Last evaluated: 2021-04-12. Review status: criteria provided, single submitter. Criteria: Invitae Variant Classification Sherloc (09022015). Collection method: clinical testing. Allele origin: germline.
Comment: This sequence change replaces leucine with proline at codon 1248 of the COL5A2 protein (p.Leu1248Pro). The leucine residue is highly conserved and there is a moderate physicochemical difference between leucine and proline. This variant is not present in population databases (ExAC no frequency). This variant has not been reported in the literature in individuals with COL5A2-related conditions. Advanced modeling of protein sequence and biophysical properties (such as structural, functional, and spatial information, amino acid conservation, physicochemical variation, residue mobility, and thermodynamic stability) performed at Invitae indicates that this missense variant is not expected to disrupt COL5A2 protein function. In summary, the available evidence is currently insufficient to determine the role of this variant in disease. Therefore, it has been classified as a Variant of Uncertain Significance.

NM_000393.5(COL5A2):c.3743T>C (p.Leu1248Pro)

Gene: COL5A2 (collagen type V alpha 2 chain; minus strand). Cytogenetic location: 2q32.2.
Variant type: single nucleotide variant.
Coding change: c.3743T>C on transcript NM_000393.5 (MANE Select); coding-DNA position 3743, T replaced by C.
Protein change: p.Leu1248Pro; replaces leucine 1248 with proline.
Molecular consequence: missense variant.
Genome position (GRCh38, 1-based): chr2:189,039,454, A>G on the plus strand (T>C on the coding strand, the complement: COL5A2 is on the minus strand). VCF-style: chr2-189039454-A-G. GRCh37 (hg19) VCF-style: chr2-189904180-A-G.
Other names: short protein forms L1248P.
Identifiers: ClinVar variation 1525809 (VCV001525809.8), dbSNP rs2153506518, ClinGen allele CA349857899.